The following is an entry in ClinVar:

NM_000051.4(ATM):c.1756G>A (p.Glu586Lys)

Gene: ATM (ATM serine/threonine kinase; plus strand). Cytogenetic location: 11q22.3.
Variant type: single nucleotide variant.
Coding change: c.1756G>A on transcript NM_000051.4 (MANE Select); coding-DNA position 1756, G replaced by A.
Protein change: p.Glu586Lys; replaces glutamic acid 586 with lysine.
Molecular consequence: missense variant.
Genome position (GRCh38, 1-based): chr11:108,251,985, G>A. VCF-style: chr11-108251985-G-A. GRCh37 (hg19) VCF-style: chr11-108122712-G-A.
Other names: c.1756G>A, p.Glu586Lys (NM_001351834.2); short protein forms E586K.
Identifiers: ClinVar variation 999743 (VCV000999743.9), dbSNP rs1565386004, ClinGen allele CA382535393.
Genomic context (GRCh38, chr11:108,251,985, plus strand): 5'-GTAAATAGAAGCTTTTCTTTAAAGGAATCAATAATGAAATGGCTCTTATTCTATCAGTTA[G>A]AGGGTGACTTAGAAAATAGCACAGAAGTGCCTCCAATTCTTCACAGGTAATTTAAGTTCA-3'
Protein context (NP_000042.3, residues 576-596): IMKWLLFYQL[Glu586Lys]GDLENSTEVP

ClinVar aggregate classification (germline): Uncertain significance (1 of 4 stars; one submission).

Conditions:
Ataxia-telangiectasia syndrome (AT). Also called: Ataxia-telangiectasia, complementation group D; AT, COMPLEMENTATION GROUP C; ATAXIA-TELANGIECTASIA, FRESNO VARIANT; ATAXIA-TELANGIECTASIA, COMPLEMENTATION GROUP A; Ataxia-telangiectasia, complementation group E; Ataxia telangiectasia (A-T). Identifiers: Orphanet 100, MedGen C0004135, MONDO:0008840, OMIM 208900.

Submission:

Labcorp Genetics (formerly Invitae), Labcorp
Classification: Uncertain significance for Ataxia-telangiectasia syndrome. Last evaluated: 2020-02-20. Review status: criteria provided, single submitter. Criteria: Invitae Variant Classification Sherloc (09022015). Collection method: clinical testing. Allele origin: germline.
Comment: This sequence change replaces glutamic acid with lysine at codon 586 of the ATM protein (p.Glu586Lys). The glutamic acid residue is moderately conserved and there is a small physicochemical difference between glutamic acid and lysine. This variant is not present in population databases (ExAC no frequency). This variant has not been reported in the literature in individuals with ATM-related conditions. Algorithms developed to predict the effect of missense changes on protein structure and function are either unavailable or do not agree on the potential impact of this missense change (SIFT: "Tolerated"; PolyPhen-2: "Possibly Damaging"; Align-GVGD: "Class C0"). In summary, the available evidence is currently insufficient to determine the role of this variant in disease. Therefore, it has been classified as a Variant of Uncertain Significance.